The following is an entry in ClinVar:

NM_001018005.2(TPM1):c.838G>A (p.Asp280Asn)

Gene: TPM1 (tropomyosin 1; plus strand). Cytogenetic location: 15q22.2.
Variant type: single nucleotide variant.
Coding change: c.838G>A on transcript NM_001018005.2 (MANE Select); coding-DNA position 838, G replaced by A.
Protein change: p.Asp280Asn; replaces aspartic acid 280 with asparagine.
Molecular consequence: missense variant. On other transcripts: intron variant (12).
Genome position (GRCh38, 1-based): chr15:63,064,129, G>A. VCF-style: chr15-63064129-G-A. GRCh37 (hg19) VCF-style: chr15-63356328-G-A.
Other names: c.838G>A, p.Asp280Asn (NM_000366.6, NM_001301244.2, NM_001365779.1); c.730G>A, p.Asp244Asn (NM_001330346.2, NM_001365781.2, NM_001365782.1); c.898+1484G>A (NM_001365778.1); c.772+1484G>A (NM_001018020.2, NM_001018007.2, NM_001018006.2 and 3 more transcripts); c.664+1484G>A (NM_001330351.2, NM_001330344.2, NM_001018008.2 and 2 more transcripts); short protein forms D244N, D280N.
Identifiers: ClinVar variation 1027266 (VCV001027266.13), dbSNP rs777635889, ClinGen allele CA032188.

ClinVar aggregate classification (germline): Uncertain significance. Review status: criteria provided, multiple submitters, no conflicts (2 of 4 stars). 4 submissions from 4 submitters: Uncertain significance (4). Last evaluated 2024-09-26.

Conditions:
Cardiomyopathy (CMYO). Also called: Cardiomyopathies. Identifiers: Orphanet 167848, MedGen C0878544, MONDO:0004994, HP:0001638. Inheritance: Various modes of inheritance.
Hypertrophic cardiomyopathy. Also called: HYPERTROPHIC MYOCARDIOPATHY. Identifiers: Orphanet 217569, MedGen C0007194, MeSH D002312, MONDO:0005045, HP:0001639.

Allele frequency attached by ClinVar (database versions not stated): gnomAD 0.00001; gnomAD exomes 0.00001; ExAC 0.00002.
gnomAD v4.1: 13 of 1,613,786 alleles (0.00081%); highest among the groups gnomAD compares: East Asian, 0.0022%; no homozygotes.

Submissions (4):

Labcorp Genetics (formerly Invitae), Labcorp
Classification: Uncertain significance for Hypertrophic cardiomyopathy. Last evaluated: 2024-09-26. Review status: criteria provided, single submitter. Criteria: Invitae Variant Classification Sherloc (09022015). Collection method: clinical testing. Allele origin: germline.
Comment: This sequence change replaces aspartic acid, which is acidic and polar, with asparagine, which is neutral and polar, at codon 280 of the TPM1 protein (p.Asp280Asn). This variant is present in population databases (rs777635889, gnomAD 0.01%). This variant has not been reported in the literature in individuals affected with TPM1-related conditions. ClinVar contains an entry for this variant (Variation ID: 1027266). An algorithm developed to predict the effect of missense changes on protein structure and function (PolyPhen-2) suggests that this variant is likely to be tolerated. In summary, the available evidence is currently insufficient to determine the role of this variant in disease. Therefore, it has been classified as a Variant of Uncertain Significance.

Color Diagnostics, LLC DBA Color Health
Classification: Uncertain significance for Cardiomyopathy. Last evaluated: 2023-10-09. Review status: criteria provided, single submitter. Criteria: ACMG Guidelines, 2015. Collection method: clinical testing. Allele origin: germline.
Comment: This missense variant replaces aspartic acid with asparagine at codon 280 of the TPM1 protein. Computational prediction is inconclusive regarding the impact of this variant on protein structure and function (internally defined REVEL score threshold 0.5 < inconclusive < 0.7, PMID: 27666373). To our knowledge, functional studies have not been reported for this variant. This variant has not been reported in individuals affected with TPM1-related disorders in the literature. This variant has been identified in 4/282218 chromosomes in the general population by the Genome Aggregation Database (gnomAD). The available evidence is insufficient to determine the role of this variant in disease conclusively. Therefore, this variant is classified as a Variant of Uncertain Significance.

All of Us Research Program, National Institutes of Health
Classification: Uncertain significance for Hypertrophic cardiomyopathy. Last evaluated: 2023-03-28. Review status: criteria provided, single submitter. Criteria: ACMG Guidelines, 2015. Collection method: clinical testing. Allele origin: germline. Inheritance: Autosomal dominant inheritance. Observed: 1 variant allele, 1 heterozygote.
Comment: This study involves interpretation of variants in research participants for the purpose of population health screening. Participant phenotype was not available at the time of variant classification. Additional details can be found in publication PMID: 35346344, PMCID: PMC8962531

CHEO Genetics Diagnostic Laboratory, Children's Hospital of Eastern Ontario
Classification: Uncertain significance for Cardiomyopathy. Last evaluated: 2020-03-03. Review status: criteria provided, single submitter. Criteria: ACMG Guidelines, 2015. Collection method: clinical testing. Allele origin: germline.